The following is an entry in ClinVar:

NM_000311.5(PRNP):c.246_269del (p.60_67PHGGGWGQ[3])

Gene: PRNP (prion protein (Kanno blood group); plus strand). Cytogenetic location: 20p13.
Variant type: Deletion.
Coding change: c.246_269del on transcript NM_000311.5 (MANE Select); coding-DNA positions 246 to 269, 24 bases deleted (ACAGCCTCATGGTGGTGGCTGGGG).
Protein change: p.60_67PHGGGWGQ[3].
Molecular consequence: inframe deletion.
Genome position (GRCh38, 1-based): chr20:4,699,466-4,699,489, ACAGCCTCATGGTGGTGGCTGGGG deleted; deleting any 24 consecutive bases within chr20:4,699,449-4,699,489 gives the same sequence; the c. name uses the placement nearest the transcript's 3' end. VCF-style (leftmost placement, unchanged base first): chr20-4699448-CCATGGTGGTGGCTGGGGACAGCCT-C. GRCh37 (hg19) VCF-style: chr20-4680094-CCATGGTGGTGGCTGGGGACAGCCT-C.
Other names: p.Pro84_Gln91del; c.246_269del, p.60_67PHGGGWGQ[3] (NM_001080121.3, NM_001080122.3, NM_001080123.3 and 1 more transcripts); c.157_180del, p.Thr53_Gly60del (NM_001271561.3); c.246_269del (NM_000311.3).
Identifiers: ClinVar variation 536237 (VCV000536237.17), dbSNP rs138688873, ClinGen allele CA9752036.

ClinVar aggregate classification (germline): Benign/Likely benign. Review status: criteria provided, multiple submitters, no conflicts (2 of 4 stars). 4 submissions from 4 submitters: Benign (3); Likely benign (1). Last evaluated 2026-01-15.

Conditions:
Huntington disease-like 1 (HDL1). Also called: HUNTINGTON-LIKE NEURODEGENERATIVE DISORDER 1; HUNTINGTON-LIKE NEURODEGENERATIVE DISORDER, AUTOSOMAL DOMINANT; PRION DISEASE, EARLY-ONSET, WITH PROMINENT PSYCHIATRIC FEATURES. Identifiers: Orphanet 157941, MedGen C1864112, MONDO:0011299, OMIM 603218.

Submissions (4):

Labcorp Genetics (formerly Invitae), Labcorp
Classification: Benign for Huntington disease-like 1. Last evaluated: 2026-01-15. Review status: criteria provided, single submitter. Criteria: Invitae Variant Classification Sherloc (09022015). Collection method: clinical testing. Allele origin: germline.

Mayo Clinic Laboratories, Mayo Clinic
Classification: Benign. Last evaluated: 2022-03-23. Review status: criteria provided, single submitter. Criteria: ACMG Guidelines, 2015. Collection method: clinical testing. Allele origin: germline. Observed: 52 variant alleles.

Mendelics
Classification: Likely benign for Huntington disease-like 1. Last evaluated: 2019-05-28. Review status: criteria provided, single submitter. Criteria: Mendelics Assertion Criteria 2017. Collection method: clinical testing. Allele origin: unknown.

GeneDx
Classification: Benign. Last evaluated: 2018-11-26. Review status: criteria provided, single submitter. Criteria: GeneDx Variant Classification Process June 2021. Collection method: clinical testing. Allele origin: germline. Affected: yes.
Comment: This variant is associated with the following publications: (PMID: 27793473)